The following is an entry in ClinVar:

NM_000666.3(ACY1):c.977C>G (p.Ala326Gly)

Genes: ACY1 (aminoacylase 1; plus strand), ABHD14A-ACY1 (ABHD14A-ACY1 readthrough; plus strand). Cytogenetic location: 3p21.2.
Variant type: single nucleotide variant.
Coding change: c.977C>G on transcript NM_000666.3 (MANE Select); coding-DNA position 977, C replaced by G.
Protein change: p.Ala326Gly; replaces alanine 326 with glycine.
Molecular consequence: missense variant.
Genome position (GRCh38, 1-based): chr3:51,988,579, C>G. VCF-style: chr3-51988579-C-G. GRCh37 (hg19) VCF-style: chr3-52022595-C-G.
Other names: c.1247C>G, p.Ala416Gly (NM_001316331.2); c.977C>G, p.Ala326Gly (NM_001198895.2); c.761C>G, p.Ala254Gly (NM_001198896.2); c.782C>G, p.Ala261Gly (NM_001198897.2); c.872C>G, p.Ala291Gly (NM_001198898.2); short protein forms A254G, A261G, A291G, A326G, A416G.
Identifiers: ClinVar variation 3236440 (VCV003236440.2), dbSNP rs2471401082, ClinGen allele CA353093474.

ClinVar aggregate classification (germline): Uncertain significance (1 of 4 stars; one submission).

Conditions:
Aminoacylase 1 deficiency. Also called: Neurological conditions associated with aminoacylase 1 deficiency. Identifiers: Orphanet 137754, MedGen C1835922, MONDO:0012368, OMIM 609924.

Submission:

Neuberg Centre For Genomic Medicine, NCGM
Classification: Uncertain significance for Aminoacylase 1 deficiency. Review status: criteria provided, single submitter. Criteria: ACMG Guidelines, 2015. Collection method: clinical testing. Allele origin: germline. Inheritance: Autosomal recessive inheritance. Affected: yes.
Comment: The missense c.977C>G p.Ala326Gly variant in ACY1 gene has not been reported previously as a pathogenic variant nor as a benign variant, to our knowledge. The p.Ala326Gly variant is novel not in any individuals in gnomAD Exomes and 1000 Genomes. This variant has not been reported to the ClinVar database. The amino acid change p.Ala326Gly in ACY1 is predicted as conserved by GERP++ and PhyloP across 100 vertebrates. The amino acid Ala at position 326 is changed to a Gly changing protein sequence and it might alter its composition and physico-chemical properties. For these reasons, this variant has been classified as Variant of Uncertain Significance VUS.